The following is an entry in ClinVar:

NM_001171.6(ABCC6):c.1277dup (p.Tyr426Ter)

Gene: ABCC6 (ATP binding cassette subfamily C member 6; minus strand). Cytogenetic location: 16p13.11.
Variant type: Duplication.
Coding change: c.1277dup on transcript NM_001171.6 (MANE Select); coding-DNA position 1277, one base duplicated (A; older notation c.1277dupA).
Protein change: p.Tyr426Ter; replaces tyrosine 426 with a stop codon.
Molecular consequence: nonsense. On other transcripts: non-coding transcript variant (1).
Genome position (GRCh38, 1-based): chr16:16,198,082, T duplicated on the plus strand (A on the coding strand, the reverse complement: ABCC6 is on the minus strand). VCF-style (leftmost placement, unchanged base first): chr16-16198081-G-GT. GRCh37 (hg19) VCF-style: chr16-16291938-G-GT.
Other names: c.935dup, p.Tyr312Ter (NM_001351800.1); short protein forms Y312*, Y426*.
Identifiers: ClinVar variation 2769106 (VCV002769106.3), dbSNP rs2511036422, ClinGen allele CA2697555683.

ClinVar aggregate classification (germline): Pathogenic (1 of 4 stars; one submission).

Submission:

Labcorp Genetics (formerly Invitae), Labcorp
Classification: Pathogenic. Last evaluated: 2023-10-16. Review status: criteria provided, single submitter. Criteria: Invitae Variant Classification Sherloc (09022015). Collection method: clinical testing. Allele origin: germline.
Comment: This sequence change creates a premature translational stop signal (p.Tyr426*) in the ABCC6 gene. It is expected to result in an absent or disrupted protein product. Loss-of-function variants in ABCC6 are known to be pathogenic (PMID: 11536079, 17617515). This variant is not present in population databases (gnomAD no frequency). This variant has not been reported in the literature in individuals affected with ABCC6-related conditions. For these reasons, this variant has been classified as Pathogenic.

Literature cited by the submitters: PubMed 11536079; PubMed 17617515.